The following is an entry in ClinVar:

NM_001235.5(SERPINH1):c.1011G>A (p.Leu337=)

Gene: SERPINH1 (serpin family H member 1; plus strand). Cytogenetic location: 11q13.5.
Variant type: single nucleotide variant.
Coding change: c.1011G>A on transcript NM_001235.5 (MANE Select); coding-DNA position 1011, G replaced by A.
Protein change: p.Leu337=; no amino-acid change (leucine 337 retained).
Molecular consequence: synonymous variant.
Genome position (GRCh38, 1-based): chr11:75,571,837, G>A. VCF-style: chr11-75571837-G-A. GRCh37 (hg19) VCF-style: chr11-75282882-G-A.
Other names: p.Leu337=; c.1011G>A, p.Leu337= (NM_001207014.3); c.1011G>A (NM_001235.4).
Identifiers: ClinVar variation 306111 (VCV000306111.21), dbSNP rs585821, ClinGen allele CA6190995.

ClinVar aggregate classification (germline): Benign. Review status: criteria provided, multiple submitters, no conflicts (2 of 4 stars). 9 submissions from 9 submitters: Benign (7). 2 of the submissions do not count toward it. Last evaluated 2026-02-04.

Conditions:
Osteogenesis imperfecta type 10 (OI10). Also called: OI, TYPE X. Identifiers: Orphanet 666, MedGen C3151211, MONDO:0013459, OMIM 613848.

Allele frequency attached by ClinVar (database versions not stated): gnomAD exomes 0.31817 and 0.34405; ExAC 0.34867; ESP Exome Variant Server 0.35030; TOPMed 0.35549; gnomAD 0.35953 and 0.36110; 1000 Genomes Project 0.37680; 1000 Genomes Project 30x 0.37726.

Submissions (9):

Labcorp Genetics (formerly Invitae), Labcorp
Classification: Benign. Last evaluated: 2026-02-04. Review status: criteria provided, single submitter. Criteria: Invitae Variant Classification Sherloc (09022015). Collection method: clinical testing. Allele origin: germline.

Blueprint Genetics
Classification: Benign. Last evaluated: 2024-11-27. Review status: criteria provided, single submitter. Criteria: ACMG Guidelines, 2015. Collection method: clinical testing. Allele origin: germline.

Mayo Clinic Laboratories, Mayo Clinic
Classification: Benign. Last evaluated: 2022-04-26. Review status: criteria provided, single submitter. Criteria: ACMG Guidelines, 2015. Collection method: clinical testing. Allele origin: germline. Observed: 59 variant alleles.

Genome-Nilou Lab
Classification: Benign for Osteogenesis imperfecta type 10. Last evaluated: 2021-07-15. Review status: criteria provided, single submitter. Criteria: ACMG Guidelines, 2015. Collection method: clinical testing. Allele origin: germline. Affected: no.

Illumina Laboratory Services, Illumina
Classification: Benign for Osteogenesis imperfecta type 10. Last evaluated: 2018-01-12. Review status: criteria provided, single submitter. Criteria: ICSL Variant Classification Criteria 13 December 2019. Collection method: clinical testing. Allele origin: germline.
Comment: This variant was observed in the ICSL laboratory as part of a predisposition screen in an ostensibly healthy population. It had not been previously curated by ICSL or reported in the Human Gene Mutation Database (HGMD: prior to June 1st, 2018), and was therefore a candidate for classification through an automated scoring system. Utilizing variant allele frequency, disease prevalence and penetrance estimates, and inheritance mode, an automated score was calculated to assess if this variant is too frequent to cause the disease. Based on the score and internal cut-off values, a variant classified as benign is not then subjected to further curation. The score for this variant resulted in a classification of benign for this disease.

GeneDx
Classification: Benign. Last evaluated: 2017-06-09. Review status: criteria provided, single submitter. Criteria: GeneDx Variant Classification (06012015). Collection method: clinical testing. Allele origin: germline. Affected: yes.
Comment: This variant is considered likely benign or benign based on one or more of the following criteria: it is a conservative change, it occurs at a poorly conserved position in the protein, it is predicted to be benign by multiple in silico algorithms, and/or has population frequency not consistent with disease.

Breakthrough Genomics
Classification: Benign. Review status: criteria provided, single submitter. Criteria: ACMG Guidelines, 2015. Collection method: not provided. Allele origin: germline. Inheritance: Multifactorial inheritance. Affected: yes.

Diagnostic Laboratory, Department of Genetics, University Medical Center Groningen
Classification: Benign. Review status: no assertion criteria provided. Collection method: clinical testing. Allele origin: germline. Affected: yes. Study: VKGL Data-share Consensus. Not counted in ClinVar's aggregate classification.

Genome Diagnostics Laboratory, Amsterdam University Medical Center
Classification: Benign. Review status: no assertion criteria provided. Collection method: clinical testing. Allele origin: germline. Affected: yes. Study: VKGL Data-share Consensus. Not counted in ClinVar's aggregate classification.